The following is an entry in ClinVar:

ClinVar aggregate classification (germline): Uncertain significance (1 of 4 stars; one submission).

gnomAD v4.1: 40 of 1,611,432 alleles (0.0025%); highest among the groups gnomAD compares: South Asian, 0.016%; no homozygotes.

Submission:

Women's Health and Genetics/Laboratory Corporation of America, LabCorp
Classification: Uncertain significance. Last evaluated: 2025-12-24. Review status: criteria provided, single submitter. Criteria: LabCorp Variant Classification Summary - May 2015. Collection method: clinical testing. Allele origin: germline.
Comment: Variant summary: HCK c.418G>C (p.Glu140Gln) results in a conservative amino acid change in the encoded protein sequence. Algorithms developed to predict the effect of missense changes on protein structure and function are either unavailable or do not agree on the potential impact of this missense change. The variant allele was found at a frequency of 4.4e-05 in 251346 control chromosomes. This frequency is not significantly higher than estimated for disease-causing variants in HCK, allowing no conclusion about variant significance. To our knowledge, no occurrence of c.418G>C in individuals affected with HCK-related conditions and no experimental evidence demonstrating its impact on protein function have been reported. No submitters have cited clinical-significance assessments for this variant to ClinVar. Based on the evidence outlined above, the variant was classified as uncertain significance.

NM_002110.5(HCK):c.418G>C (p.Glu140Gln)

Gene: HCK (HCK proto-oncogene, Src family tyrosine kinase; plus strand). Cytogenetic location: 20q11.21.
Variant type: single nucleotide variant.
Coding change: c.418G>C on transcript NM_002110.5 (MANE Select); coding-DNA position 418, G replaced by C.
Protein change: p.Glu140Gln; replaces glutamic acid 140 with glutamine.
Molecular consequence: missense variant.
Genome position (GRCh38, 1-based): chr20:32,074,711, G>C. VCF-style: chr20-32074711-G-C. GRCh37 (hg19) VCF-style: chr20-30662514-G-C.
Other names: c.355G>C, p.Glu119Gln (NM_001172129.3, NM_001172133.3); c.415G>C, p.Glu139Gln (NM_001172130.3); c.352G>C, p.Glu118Gln (NM_001172131.3); c.358G>C, p.Glu120Gln (NM_001172132.3); short protein forms E118Q, E119Q, E120Q, E139Q, E140Q.
Identifiers: ClinVar variation 4688830 (VCV004688830.1).